The following is an entry in ClinVar:

NM_005502.4(ABCA1):c.5747A>C (p.Glu1916Ala)

Gene: ABCA1 (ATP binding cassette subfamily A member 1; minus strand). Cytogenetic location: 9q31.1.
Variant type: single nucleotide variant.
Coding change: c.5747A>C on transcript NM_005502.4 (MANE Select); coding-DNA position 5747, A replaced by C.
Protein change: p.Glu1916Ala; replaces glutamic acid 1916 with alanine.
Molecular consequence: missense variant.
Genome position (GRCh38, 1-based): chr9:104,792,796, T>G on the plus strand (A>C on the coding strand, the complement: ABCA1 is on the minus strand). VCF-style: chr9-104792796-T-G. GRCh37 (hg19) VCF-style: chr9-107555077-T-G.
Other names: short protein forms E1916A.
Identifiers: ClinVar variation 1590698 (VCV001590698.13), dbSNP rs114719973, ClinGen allele CA5167752.
Genomic context (GRCh38, chr9:104,792,796, plus strand): 5'-TAAAGCTGAAAAAAACTGAAGATGAGCTATTGTAACCTGTACTCTCTCACCTTCGTCAAC[T>G]CCTTGATTTCTAAGATGTCATTCTGGCCTCCACCATCAAGAATTCTCTGTCTTTCCCGCC-3'
Protein context (NP_005493.2, residues 1906-1926): GGQNDILEIK[Glu1916Ala]LTKIYRRKRK

ClinVar aggregate classification (germline): Benign/Likely benign. Review status: criteria provided, multiple submitters, no conflicts (2 of 4 stars). 4 submissions from 4 submitters: Benign (2); Likely benign (1). 1 of the submissions does not count toward it. Last evaluated 2025-12-29.

Conditions:
ABCA1-related disorder. Also called: ABCA1-related condition; ABCA1-related disorders. Identifiers: MedGen CN239173.
Cardiovascular phenotype. Identifiers: MedGen CN230736.

Allele frequency attached by ClinVar (database versions not stated): gnomAD exomes 0.00016 and 0.00046; ExAC 0.00056; gnomAD 0.00163 and 0.00175; ESP Exome Variant Server 0.00177; TOPMed 0.00196; 1000 Genomes Project 0.00220; 1000 Genomes Project 30x 0.00250.

Submissions (4):

Labcorp Genetics (formerly Invitae), Labcorp
Classification: Benign. Last evaluated: 2025-12-29. Review status: criteria provided, single submitter. Criteria: Invitae Variant Classification Sherloc (09022015). Collection method: clinical testing. Allele origin: germline.

Ambry Genetics
Classification: Likely benign for Cardiovascular phenotype. Last evaluated: 2020-03-24. Review status: criteria provided, single submitter. Criteria: Ambry Variant Classification Scheme 2023. Collection method: clinical testing. Allele origin: germline.

Breakthrough Genomics
Classification: Benign. Review status: criteria provided, single submitter. Criteria: ACMG Guidelines, 2015. Collection method: not provided. Allele origin: germline. Inheritance: Autosomal recessive inheritance. Affected: yes.

PreventionGenetics, part of Exact Sciences
Classification: Likely benign for ABCA1-related condition. Last evaluated: 2019-08-20. Review status: no assertion criteria provided. Collection method: clinical testing. Allele origin: germline. Not counted in ClinVar's aggregate classification.
Comment: This variant is classified as likely benign based on ACMG/AMP sequence variant interpretation guidelines (Richards et al. 2015 PMID: 25741868, with internal and published modifications).